The following is an entry in ClinVar:

ClinVar aggregate classification (germline): Uncertain significance. Review status: criteria provided, multiple submitters, no conflicts (2 of 4 stars). 2 submissions from 2 submitters: Uncertain significance (2). Last evaluated 2025-05-10.

Conditions:
Cardiovascular phenotype. Identifiers: MedGen CN230736.
Dilated cardiomyopathy 2B. Identifiers: Orphanet 154, MedGen C3553409, MONDO:0013848, OMIM 614672.

Allele frequency attached by ClinVar (database versions not stated): gnomAD 0.00001; TOPMed 0.00001.
gnomAD v4.1: 20 of 1,295,108 alleles (0.0015%); highest among the groups gnomAD compares: Non-Finnish European, 0.002%; no homozygotes.

Submissions (2):

Ambry Genetics
Classification: Uncertain significance for Cardiovascular phenotype. Last evaluated: 2025-05-10. Review status: criteria provided, single submitter. Criteria: Ambry Variant Classification Scheme 2023. Collection method: clinical testing. Allele origin: germline.
Comment: The p.G51W variant (also known as c.151G>T), located in coding exon 1 of the GATAD1 gene, results from a G to T substitution at nucleotide position 151. The glycine at codon 51 is replaced by tryptophan, an amino acid with highly dissimilar properties. This amino acid position is conserved. In addition, the in silico prediction for this alteration is inconclusive. Since supporting evidence is limited at this time, the clinical significance of this alteration remains unclear.

Labcorp Genetics (formerly Invitae), Labcorp
Classification: Uncertain significance for Dilated cardiomyopathy 2B. Last evaluated: 2019-09-18. Review status: criteria provided, single submitter. Criteria: Invitae Variant Classification Sherloc (09022015). Collection method: clinical testing. Allele origin: germline.
Comment: In summary, the available evidence is currently insufficient to determine the role of this variant in disease. Therefore, it has been classified as a Variant of Uncertain Significance. Algorithms developed to predict the effect of missense changes on protein structure and function are either unavailable or do not agree on the potential impact of this missense change (SIFT: "Deleterious"; PolyPhen-2: "Possibly Damaging"; Align-GVGD: "Class C0"). This variant has not been reported in the literature in individuals with GATAD1-related conditions. The frequency data for this variant in the population databases is considered unreliable, as metrics indicate insufficient coverage at this position in the ExAC database. This sequence change replaces glycine with tryptophan at codon 51 of the GATAD1 protein (p.Gly51Trp). The glycine residue is moderately conserved and there is a large physicochemical difference between glycine and tryptophan.

NM_021167.5(GATAD1):c.151G>T (p.Gly51Trp)

Genes: GATAD1 (GATA zinc finger domain containing 1; plus strand), LOC129998793 (ATAC-STARR-seq lymphoblastoid silent region 18371; plus strand). Cytogenetic location: 7q21.2.
Variant type: single nucleotide variant.
Coding change: c.151G>T on transcript NM_021167.5 (MANE Select); coding-DNA position 151, G replaced by T.
Protein change: p.Gly51Trp; replaces glycine 51 with tryptophan.
Molecular consequence: missense variant. On other transcripts: non-coding transcript variant (1).
Genome position (GRCh38, 1-based): chr7:92,447,880, G>T. VCF-style: chr7-92447880-G-T. GRCh37 (hg19) VCF-style: chr7-92077194-G-T.
Other names: c.151G>T (NM_021167.3); short protein forms G51W.
Identifiers: ClinVar variation 933989 (VCV000933989.13), dbSNP rs1320172026, ClinGen allele CA368155311.